The following is an entry in ClinVar:

ClinVar aggregate classification (germline): Uncertain significance (1 of 4 stars; one submission).

Submission:

Women's Health and Genetics/Laboratory Corporation of America, LabCorp
Classification: Uncertain significance. Last evaluated: 2024-09-13. Review status: criteria provided, single submitter. Criteria: LabCorp Variant Classification Summary - May 2015. Collection method: clinical testing. Allele origin: germline.
Comment: Variant summary: DYNC1H1 c.8317A>G (p.Met2773Val) results in a conservative amino acid change located in the Dynein 2 heavy chain 1, cytoplasmic, ATPase lid domain (IPR054354) of the encoded protein sequence. Three of five in-silico tools predict a benign effect of the variant on protein function. The variant was absent in 251216 control chromosomes. The available data on variant occurrences in the general population are insufficient to allow any conclusion about variant significance. To our knowledge, no occurrence of c.8317A>G in individuals affected with DYNC1H1-Related Disorders and no experimental evidence demonstrating its impact on protein function have been reported. No submitters have cited clinical-significance assessments for this variant to ClinVar. Based on the evidence outlined above, the variant was classified as uncertain significance.

NM_001376.5(DYNC1H1):c.8317A>G (p.Met2773Val)

Gene: DYNC1H1 (dynein cytoplasmic 1 heavy chain 1; plus strand). Cytogenetic location: 14q32.31.
Variant type: single nucleotide variant.
Coding change: c.8317A>G on transcript NM_001376.5 (MANE Select); coding-DNA position 8317, A replaced by G.
Protein change: p.Met2773Val; replaces methionine 2773 with valine.
Molecular consequence: missense variant.
Genome position (GRCh38, 1-based): chr14:102,018,590, A>G. VCF-style: chr14-102018590-A-G. GRCh37 (hg19) VCF-style: chr14-102484927-A-G.
Other names: short protein forms M2773V.
Identifiers: ClinVar variation 3374825 (VCV003374825.1).